The following is an entry in ClinVar:

ClinVar aggregate classification (germline): Uncertain significance. Review status: criteria provided, multiple submitters, no conflicts (2 of 4 stars). 3 submissions from 3 submitters: Uncertain significance (2). 1 of the submissions does not count toward it. Last evaluated 2022-09-13.

Conditions:
Bardet-Biedl syndrome 13 (BBS13). Identifiers: Orphanet 110, MedGen C2673873, MONDO:0014441, OMIM 615990.
Meckel syndrome, type 1 (MKS1). Also called: MECKEL-GRUBER SYNDROME, TYPE 1. Identifiers: Orphanet 564, MedGen C3714506, MONDO:0009571, OMIM 249000.
Joubert syndrome 28 (JBTS28). Identifiers: MedGen C4310705, MONDO:0014928, OMIM 617121.
Meckel-Gruber syndrome. Also called: Dysencephalia splachnocystica; DYSENCEPHALIA SPLANCHNOCYSTICA; GRUBER SYNDROME. Identifiers: Orphanet 564, MedGen C0265215, MONDO:0018921.
Joubert syndrome. Also called: Familial aplasia of the vermis; CEREBELLOPARENCHYMAL DISORDER IV; JOUBERT-BOLTSHAUSER SYNDROME. Identifiers: Orphanet 475, MedGen C5979921, MONDO:0018772.

Submissions (3):

Labcorp Genetics (formerly Invitae), Labcorp
Classification: Uncertain significance for Joubert syndrome; Meckel-Gruber syndrome. Last evaluated: 2022-09-13. Review status: criteria provided, single submitter. Criteria: Invitae Variant Classification Sherloc (09022015). Collection method: clinical testing. Allele origin: germline.
Comment: This sequence change creates a premature translational stop signal (p.Ser511Cysfs*18) in the MKS1 gene. While this is not anticipated to result in nonsense mediated decay, it is expected to disrupt the last 49 amino acid(s) of the MKS1 protein. This variant is not present in population databases (gnomAD no frequency). This variant has not been reported in the literature in individuals affected with MKS1-related conditions. ClinVar contains an entry for this variant (Variation ID: 551955). Experimental studies and prediction algorithms are not available or were not evaluated, and the functional significance of this variant is currently unknown. In summary, the available evidence is currently insufficient to determine the role of this variant in disease. Therefore, it has been classified as a Variant of Uncertain Significance.

Women's Health and Genetics/Laboratory Corporation of America, LabCorp
Classification: Uncertain significance. Last evaluated: 2021-09-02. Review status: criteria provided, single submitter. Criteria: LabCorp Variant Classification Summary - May 2015. Collection method: clinical testing. Allele origin: germline.
Comment: Variant summary: MKS1 c.1531_1534delAGTG (p.Ser511CysfsX18) results in a premature termination codon in exon 17 of the 18 exon MKS1 gene, and predicted to cause a truncation of the encoded protein or absence of the protein due to nonsense mediated decay, which are commonly known mechanisms for disease. At this time, truncations downstream of this position have not been classified as pathogenic by our laboratory or observed in either the HGMD or the LOVD databases. The variant was absent in 249586 control chromosomes. To our knowledge, no occurrence of c.1531_1534delAGTG in individuals affected with Meckel Syndrome Type 1 and no experimental evidence demonstrating its impact on protein function have been reported. However, at-least one other variant located in the vicinity, namely, c.1528dupC, translating to p.Arg510ProfsX81 has been reported in a patient with Joubert syndrome in the HGMD database. One clinical diagnostic laboratory has submitted clinical-significance assessments for this variant to ClinVar after 2014 without evidence for independent evaluation and classified the variant as uncertain significance. Based on the evidence outlined above, the variant was classified as VUS-possibly pathogenic.

Counsyl
Classification: Uncertain significance for Meckel syndrome, type 1; Bardet-Biedl syndrome 13; Joubert syndrome 28. Last evaluated: 2017-05-12. Review status: no assertion criteria provided. Collection method: clinical testing. Allele origin: unknown. Not counted in ClinVar's aggregate classification.

NM_017777.4(MKS1):c.1531_1534del (p.Ser511fs)

Gene: MKS1 (MKS transition zone complex subunit 1; minus strand). Cytogenetic location: 17q22.
Variant type: Deletion.
Coding change: c.1531_1534del on transcript NM_017777.4 (MANE Select); coding-DNA positions 1531 to 1534, 4 bases deleted (AGTG; older notation c.1531_1534delAGTG).
Protein change: p.Ser511fs; shifts the reading frame from serine 511.
Molecular consequence: frameshift variant.
Genome position (GRCh38, 1-based): chr17:58,206,337-58,206,340, CACT deleted on the plus strand (AGTG on the coding strand, the reverse complement: MKS1 is on the minus strand); deleting any 4 consecutive bases within chr17:58,206,337-58,206,341 gives the same sequence; the c. name uses the placement nearest the transcript's 3' end. VCF-style (leftmost placement, unchanged base first): chr17-58206336-ACACT-A. GRCh37 (hg19) VCF-style: chr17-56283697-ACACT-A.
Other names: c.922_925del, p.Ser308fs (NM_001321268.2); c.1448_1451del, p.Glu483fs (NM_001321269.2); c.1314_1317del, p.Cys440fs (NM_001330397.2); c.1531_1534delAGTG (NM_017777.3); short protein forms S511fs, E483fs, C440fs, S308fs.
Identifiers: ClinVar variation 551955 (VCV000551955.5), dbSNP rs1555596710, ClinGen allele CA658823774.